The following is an entry in ClinVar:

ClinVar aggregate classification (germline): Likely pathogenic (1 of 4 stars; one submission).

Conditions:
Primary ciliary dyskinesia 30. Also called: CILIARY DYSKINESIA, PRIMARY, 30, WITH OR WITHOUT SITUS INVERSUS. Identifiers: Orphanet 244, MedGen C4015016, MONDO:0014465, OMIM 616037.

Submission:

Neuberg Centre For Genomic Medicine, NCGM
Classification: Likely pathogenic for Primary ciliary dyskinesia 30. Last evaluated: 2023-06-02. Review status: criteria provided, single submitter. Criteria: ACMG Guidelines, 2015. Collection method: clinical testing. Allele origin: germline. Inheritance: Autosomal recessive inheritance. Affected: yes.
Comment: The observed stop gained variant c.281G>A(p.Trp94Ter) in ODAD3 gene has not been reported previously as a pathogenic variant nor as a benign variant, to our knowledge. The c.281G>A(p.Trp94Ter) variant is absent in gnomAD Exomes. Computational evidence (Mutation Taster - Disease causing) predicts damaging effect on protein structure and function for this variant.This variant is predicted to cause loss of normal protein function through protein truncation. Loss of function variants have been previously reported to be disease causing (Hjeij R, et al., 2014). For these reasons, this variant has been classified as Likely Pathogenic.

NM_145045.5(ODAD3):c.281G>A (p.Trp94Ter)

Gene: ODAD3 (outer dynein arm docking complex subunit 3; minus strand). Cytogenetic location: 19p13.2.
Variant type: single nucleotide variant.
Coding change: c.281G>A on transcript NM_145045.5 (MANE Select); coding-DNA position 281, G replaced by A.
Protein change: p.Trp94Ter; replaces tryptophan 94 with a stop codon.
Molecular consequence: nonsense.
Genome position (GRCh38, 1-based): chr19:11,430,984, C>T on the plus strand (G>A on the coding strand, the complement: ODAD3 is on the minus strand). VCF-style: chr19-11430984-C-T. GRCh37 (hg19) VCF-style: chr19-11541804-C-T.
Other names: c.119G>A, p.Trp40Ter (NM_001302453.1); c.281G>A, p.Trp94Ter (NM_001302454.2); short protein forms W40*, W94*.
Identifiers: ClinVar variation 3362312 (VCV003362312.3).